The following is an entry in ClinVar:

ClinVar aggregate classification (germline): Uncertain significance. Review status: criteria provided, multiple submitters, no conflicts (2 of 4 stars). 2 submissions from 2 submitters: Uncertain significance (2). Last evaluated 2026-01-22.

Conditions:
Inborn genetic diseases. Identifiers: MedGen C0950123, MeSH D030342.

Allele frequency attached by ClinVar (database versions not stated): gnomAD exomes 0.00002; ExAC 0.00003; gnomAD 0.00005; TOPMed 0.00008.
gnomAD v4.1: 45 of 1,613,632 alleles (0.0028%); highest among the groups gnomAD compares: Middle Eastern, 0.016%; no homozygotes.

Submissions (2):

Labcorp Genetics (formerly Invitae), Labcorp
Classification: Uncertain significance. Last evaluated: 2026-01-22. Review status: criteria provided, single submitter. Criteria: Invitae Variant Classification Sherloc (09022015). Collection method: clinical testing. Allele origin: germline.
Comment: This sequence change replaces valine, which is neutral and non-polar, with methionine, which is neutral and non-polar, at codon 9 of the ACAN protein (p.Val9Met). This variant is present in population databases (rs776631256, gnomAD 0.01%). This variant has not been reported in the literature in individuals affected with ACAN-related conditions. ClinVar contains an entry for this variant (Variation ID: 1961128). Invitae Evidence Modeling of protein sequence and biophysical properties (such as structural, functional, and spatial information, amino acid conservation, physicochemical variation, residue mobility, and thermodynamic stability) indicates that this missense variant is not expected to disrupt ACAN protein function with a negative predictive value of 80%. In summary, the available evidence is currently insufficient to determine the role of this variant in disease. Therefore, it has been classified as a Variant of Uncertain Significance.

Ambry Genetics
Classification: Uncertain significance for Inborn genetic diseases. Last evaluated: 2025-10-07. Review status: criteria provided, single submitter. Criteria: Ambry Variant Classification Scheme 2023. Collection method: clinical testing. Allele origin: germline.

NM_001369268.1(ACAN):c.25G>A (p.Val9Met)

Gene: ACAN (aggrecan; plus strand). Cytogenetic location: 15q26.1.
Variant type: single nucleotide variant.
Coding change: c.25G>A on transcript NM_001369268.1 (MANE Select); coding-DNA position 25, G replaced by A.
Protein change: p.Val9Met; replaces valine 9 with methionine.
Molecular consequence: missense variant.
Genome position (GRCh38, 1-based): chr15:88,836,231, G>A. VCF-style: chr15-88836231-G-A. GRCh37 (hg19) VCF-style: chr15-89379462-G-A.
Other names: c.25G>A, p.Val9Met (NM_001135.4, NM_001411096.1, NM_001411097.1 and 1 more transcripts); c.25G>A (NM_013227.3); short protein forms V9M.
Identifiers: ClinVar variation 1961128 (VCV001961128.7), dbSNP rs776631256, ClinGen allele CA7719114.